The following is an entry in ClinVar:

NM_000051.4(ATM):c.1768G>T (p.Glu590Ter)

Gene: ATM (ATM serine/threonine kinase; plus strand). Cytogenetic location: 11q22.3.
Variant type: single nucleotide variant.
Coding change: c.1768G>T on transcript NM_000051.4 (MANE Select); coding-DNA position 1768, G replaced by T.
Protein change: p.Glu590Ter; replaces glutamic acid 590 with a stop codon.
Molecular consequence: nonsense.
Genome position (GRCh38, 1-based): chr11:108,251,997, G>T. VCF-style: chr11-108251997-G-T. GRCh37 (hg19) VCF-style: chr11-108122724-G-T.
Other names: c.1768G>T, p.Glu590Ter (NM_001351834.2); short protein forms E590*.
Identifiers: ClinVar variation 231660 (VCV000231660.5), dbSNP rs876659283, ClinGen allele CA10579025.

ClinVar aggregate classification (germline): Pathogenic (1 of 4 stars; one submission).

Conditions:
Hereditary cancer-predisposing syndrome. Also called: Neoplastic Syndromes, Hereditary; Tumor predisposition; Hereditary Cancer Syndrome; Hereditary neoplastic syndrome. Identifiers: Orphanet 140162, MedGen C0027672, MeSH D009386, MONDO:0015356.

Submission:

Ambry Genetics
Classification: Pathogenic for Hereditary cancer-predisposing syndrome. Last evaluated: 2015-05-04. Review status: criteria provided, single submitter. Criteria: Ambry Variant Classification Scheme 2023. Collection method: clinical testing. Allele origin: germline.
Comment: The p.E590* pathogenic mutation (also known as c.1768G>T) located in coding exon 10 of the ATM gene, results from a G to T substitution at nucleotide position 1768. This changes the amino acid from a glutamic acid to a stop codon within coding exon 10. Since premature stop codons are typically deleterious in nature, this alteration is interpreted as a disease-causing mutation (ACMG Recommendations for Standards for Interpretation and Reporting of Sequence Variations. Revision 2007. Genet Med. 2008;10:294).